The following is an entry in ClinVar:

NM_032242.4(PLXNA1):c.3314G>A (p.Arg1105His)

Gene: PLXNA1 (plexin A1; plus strand). Cytogenetic location: 3q21.3.
Variant type: single nucleotide variant.
Coding change: c.3314G>A on transcript NM_032242.4 (MANE Select); coding-DNA position 3314, G replaced by A.
Protein change: p.Arg1105His; replaces arginine 1105 with histidine.
Molecular consequence: missense variant.
Genome position (GRCh38, 1-based): chr3:127,017,462, G>A. VCF-style: chr3-127017462-G-A. GRCh37 (hg19) VCF-style: chr3-126736305-G-A.
Other names: c.3314G>A (NM_032242.3); short protein forms R1105H.
Identifiers: ClinVar variation 2070190 (VCV002070190.5), dbSNP rs765732002, ClinGen allele CA2593981.

ClinVar aggregate classification (germline): Uncertain significance. Review status: criteria provided, single submitter (1 of 4 stars). 2 submissions from 2 submitters: Uncertain significance (1). 1 of the submissions does not count toward it. Last evaluated 2022-08-20.

Conditions:
PLXNA1-related disorder. Also called: PLXNA1-related condition.

Allele frequency attached by ClinVar (database versions not stated): TOPMed 0.00002; gnomAD 0.00001; ExAC 0.00002.
gnomAD v4.1: 12 of 1,613,132 alleles (0.00074%); highest among the groups gnomAD compares: East Asian, 0.0045%; no homozygotes.

Submissions (2):

Labcorp Genetics (formerly Invitae), Labcorp
Classification: Uncertain significance. Last evaluated: 2022-08-20. Review status: criteria provided, single submitter. Criteria: Invitae Variant Classification Sherloc (09022015). Collection method: clinical testing. Allele origin: germline.
Comment: This sequence change replaces arginine, which is basic and polar, with histidine, which is basic and polar, at codon 1105 of the PLXNA1 protein (p.Arg1105His). In summary, the available evidence is currently insufficient to determine the role of this variant in disease. Therefore, it has been classified as a Variant of Uncertain Significance. Algorithms developed to predict the effect of missense changes on protein structure and function (SIFT, PolyPhen-2, Align-GVGD) all suggest that this variant is likely to be tolerated. This variant has not been reported in the literature in individuals affected with PLXNA1-related conditions. The frequency data for this variant in the population databases is considered unreliable, as metrics indicate poor data quality at this position in the gnomAD database.

PreventionGenetics, part of Exact Sciences
Classification: Uncertain significance for PLXNA1-related condition. Last evaluated: 2024-05-31. Review status: no assertion criteria provided. Collection method: clinical testing. Allele origin: germline. Not counted in ClinVar's aggregate classification.
Comment: The PLXNA1 c.3314G>A variant is predicted to result in the amino acid substitution p.Arg1105His. To our knowledge, this variant has not been reported in the literature. This variant is reported in 0.0018% of alleles in individuals of European (Non-Finnish) descent in gnomAD. At this time, the clinical significance of this variant is uncertain due to the absence of conclusive functional and genetic evidence.